The following is an entry in ClinVar:

ClinVar aggregate classification (germline): Conflicting classifications of pathogenicity. Review status: criteria provided, conflicting classifications (1 of 4 stars). 3 submissions from 3 submitters: Uncertain significance (2); Likely benign (1). Last evaluated 2026-08-04.

Conditions:
Inborn genetic diseases. Identifiers: MedGen C0950123, MeSH D030342.
KIF11-related disorder. Also called: KIF11-related condition.

Allele frequency attached by ClinVar (database versions not stated): gnomAD exomes below 0.00001; TOPMed 0.00002; gnomAD 0.00004.
gnomAD v4.1: 11 of 1,598,884 alleles (0.00069%); highest among the groups gnomAD compares: African/African-American, 0.013%; no homozygotes.

Submissions (3):

PreventionGenetics, part of Exact Sciences
Classification: Uncertain significance for KIF11-related condition. Last evaluated: 2026-08-04. Review status: criteria provided, single submitter. Criteria: ACMG Guidelines, 2015. Collection method: clinical testing. Allele origin: germline.
Comment: The KIF11 c.1774A>G variant is predicted to result in the amino acid substitution p.Ile592Val. To our knowledge, this variant has not been reported in the literature. This variant is reported in 0.020% of alleles in individuals of African descent in gnomAD, which may be too frequent to be a primary cause of disease. Although we suspect that this variant may be benign, at this time, the clinical significance of this variant is uncertain due to the absence of conclusive functional and genetic evidence.

Labcorp Genetics (formerly Invitae), Labcorp
Classification: Likely benign. Last evaluated: 2025-06-06. Review status: criteria provided, single submitter. Criteria: Invitae Variant Classification Sherloc (09022015). Collection method: clinical testing. Allele origin: germline.

Ambry Genetics
Classification: Uncertain significance for Inborn genetic diseases. Last evaluated: 2024-01-04. Review status: criteria provided, single submitter. Criteria: Ambry Variant Classification Scheme 2023. Collection method: clinical testing. Allele origin: germline.

NM_004523.4(KIF11):c.1774A>G (p.Ile592Val)

Gene: KIF11 (kinesin family member 11; plus strand). Cytogenetic location: 10q23.33.
Variant type: single nucleotide variant.
Coding change: c.1774A>G on transcript NM_004523.4 (MANE Select); coding-DNA position 1774, A replaced by G.
Protein change: p.Ile592Val; replaces isoleucine 592 with valine.
Molecular consequence: missense variant.
Genome position (GRCh38, 1-based): chr10:92,633,694, A>G. VCF-style: chr10-92633694-A-G. GRCh37 (hg19) VCF-style: chr10-94393451-A-G.
Other names: short protein forms I592V.
Identifiers: ClinVar variation 3114377 (VCV003114377.3), dbSNP rs1249211050, ClinGen allele CA15658603.